The following is an entry in ClinVar:

ClinVar aggregate classification (germline): Uncertain significance. Review status: criteria provided, multiple submitters, no conflicts (2 of 4 stars). 2 submissions from 2 submitters: Uncertain significance (2). Last evaluated 2024-10-21.

Conditions:
Developmental and epileptic encephalopathy, 3 (DEE3). Also called: Epileptic encephalopathy, early infantile, 3. Identifiers: MedGen C5574665, MONDO:0012245, OMIM 609304.
Early-infantile DEE. Also called: Early infantile epileptic encephalopathy with suppression bursts; Early infantile epileptic encephalopathy; Ohtahara syndrome. Identifiers: Orphanet 1934, MedGen C0393706, MONDO:0800491.

Allele frequency attached by ClinVar (database versions not stated): gnomAD exomes below 0.00001; TOPMed below 0.00001; gnomAD 0.00001.

Submissions (2):

Labcorp Genetics (formerly Invitae), Labcorp
Classification: Uncertain significance for Early-infantile DEE. Last evaluated: 2024-10-21. Review status: criteria provided, single submitter. Criteria: Invitae Variant Classification Sherloc (09022015). Collection method: clinical testing. Allele origin: germline.
Comment: This sequence change replaces alanine, which is neutral and non-polar, with threonine, which is neutral and polar, at codon 18 of the SLC25A22 protein (p.Ala18Thr). This variant is not present in population databases (gnomAD no frequency). This variant has not been reported in the literature in individuals affected with SLC25A22-related conditions. ClinVar contains an entry for this variant (Variation ID: 1976562). Invitae Evidence Modeling of protein sequence and biophysical properties (such as structural, functional, and spatial information, amino acid conservation, physicochemical variation, residue mobility, and thermodynamic stability) indicates that this missense variant is expected to disrupt SLC25A22 protein function with a positive predictive value of 80%. In summary, the available evidence is currently insufficient to determine the role of this variant in disease. Therefore, it has been classified as a Variant of Uncertain Significance.

3billion
Classification: Uncertain significance for Developmental and epileptic encephalopathy, 3. Last evaluated: 2023-08-07. Review status: criteria provided, single submitter. Criteria: ACMG Guidelines, 2015. Collection method: clinical testing. Allele origin: germline. Affected: yes.
Comment: The variant is not observed in the gnomAD v2.1.1 dataset. Predicted Consequence/Location: Missense variant In silico tool predictions suggest damaging effect of the variant on gene or gene product [REVEL: 0.92 (>=0.6, sensitivity 0.68 and specificity 0.92)]. Therefore, this variant is classified as VUS according to the recommendation of ACMG/AMP guideline.

NM_001191061.2(SLC25A22):c.52G>A (p.Ala18Thr)

Gene: SLC25A22 (solute carrier family 25 member 22; minus strand). Cytogenetic location: 11p15.5.
Variant type: single nucleotide variant.
Coding change: c.52G>A on transcript NM_001191061.2 (MANE Select); coding-DNA position 52, G replaced by A.
Protein change: p.Ala18Thr; replaces alanine 18 with threonine.
Molecular consequence: missense variant.
Genome position (GRCh38, 1-based): chr11:794,870, C>T on the plus strand (G>A on the coding strand, the complement: SLC25A22 is on the minus strand). VCF-style: chr11-794870-C-T. GRCh37 (hg19) VCF-style: chr11-794870-C-T.
Other names: c.52G>A, p.Ala18Thr (NM_001191060.2, NM_024698.6); short protein forms A18T.
Identifiers: ClinVar variation 1976562 (VCV001976562.6), dbSNP rs1233606174, ClinGen allele CA378922319.
Genomic context (GRCh38, chr11:794,870, plus strand): 5'-TCTGCAGCCTGGTCTTGGCCAGGTCGATGGGAAACACGCAGGTGACACCGATCAGCCCGG[C>T]GATGCCGCCATTGATGAGCTTGGCTGGCAGGCTGTGTGGACAGGGGTGTCAGGACCGGCT-3'
Protein context (NP_001177990.1, residues 8-28): LPAKLINGGI[Ala18Thr]GLIGVTCVFP